The following is an entry in ClinVar:

NC_012920.1(MT-TS1):m.7496T>C

Gene: MT-TS1 (mitochondrially encoded tRNA serine 1 (UCN); minus strand).
Variant type: single nucleotide variant.
Genome position: chrM-7496-T-C.
Identifiers: ClinVar variation 370049 (VCV000370049.3), dbSNP rs1057516061, ClinGen allele CA16040649.
Genomic context (GRCh38, chrMT:7,496, plus strand): 5'-AAAATCTAGACAAAAAAGGAAGGAATCGAACCCCCCAAAGCTGGTTTCAAGCCAACCCCA[T>C]GGCCTCCATGACTTTTTCAAAAAGGTATTAGAAAAACCATTTCATAACTTTGTCAAAGTT-3'

ClinVar aggregate classification (germline): Uncertain significance. Review status: criteria provided, single submitter (1 of 4 stars). 2 submissions from 2 submitters: Uncertain significance (1). 1 of the submissions does not count toward it. Last evaluated 2019-07-12.

Conditions:
Myopathy. Identifiers: MedGen C0026848, MeSH D009135, MONDO:0005336, HP:0003198.
MELAS syndrome (MELAS). Also called: Juvenile myopathy, encephalopathy, lactic acidosis, stroke. Identifiers: Orphanet 550, MedGen C0162671, MONDO:0010789, OMIM 540000.

Submissions (2):

Wong Mito Lab, Molecular and Human Genetics, Baylor College of Medicine
Classification: Uncertain significance for MELAS syndrome. Last evaluated: 2019-07-12. Review status: criteria provided, single submitter. Criteria: Modified ACMG Guidelines (Unpublished). Collection method: clinical testing. Allele origin: germline.
Comment: The NC_012920.1:m.7496T>C variant in MT-TS1 gene is interpreted to be a Unknown Significance variant based on the modified ACMG guidelines (unpublished). This variant meets the following evidence codes reported in the guidelines: PP3, PP6

Center for Neuroscience and Cell Biology, University of Coimbra, Portugal
Classification: Uncertain significance for Myopathy. Last evaluated: 2016-11-21. Review status: no assertion criteria provided. Collection method: clinical testing. Allele origin: unknown. Affected: yes. Not counted in ClinVar's aggregate classification.

Literature cited by the submitters: PubMed 31965079 (cited by Wong Mito Lab, Molecular and Human Genetics, Baylor College of Medicine); PubMed 28027978 (cited by Center for Neuroscience and Cell Biology, University of Coimbra, Portugal).